The following is an entry in ClinVar:

ClinVar aggregate classification (germline): Uncertain significance (1 of 4 stars; one submission).

Submission:

GeneDx
Classification: Uncertain significance. Last evaluated: 2020-08-24. Review status: criteria provided, single submitter. Criteria: GeneDx Variant Classification Process June 2021. Collection method: clinical testing. Allele origin: germline. Affected: yes.
Comment: Has not been previously published as pathogenic or benign to our knowledge; Not observed in large population cohorts (Lek et al., 2016); In silico analysis supports that this missense variant has a deleterious effect on protein structure/function

NM_013275.6(ANKRD11):c.619G>A (p.Glu207Lys)

Gene: ANKRD11 (ankyrin repeat domain containing 11; minus strand). Cytogenetic location: 16q24.3.
Variant type: single nucleotide variant.
Coding change: c.619G>A on transcript NM_013275.6 (MANE Select); coding-DNA position 619, G replaced by A.
Protein change: p.Glu207Lys; replaces glutamic acid 207 with lysine.
Molecular consequence: missense variant. On other transcripts: non-coding transcript variant (1).
Genome position (GRCh38, 1-based): chr16:89,288,653, C>T on the plus strand (G>A on the coding strand, the complement: ANKRD11 is on the minus strand). VCF-style: chr16-89288653-C-T. GRCh37 (hg19) VCF-style: chr16-89355061-C-T.
Other names: c.619G>A, p.Glu207Lys (NM_001256182.2, NM_001256183.2); short protein forms E207K.
Identifiers: ClinVar variation 1198848 (VCV001198848.2), dbSNP rs2151783953, ClinGen allele CA397167048.